The following is an entry in ClinVar:

ClinVar aggregate classification (germline): Uncertain significance. Review status: criteria provided, multiple submitters, no conflicts (2 of 4 stars). 2 submissions from 2 submitters: Uncertain significance (2). Last evaluated 2023-04-05.

Conditions:
Pierson syndrome. Also called: MICROCORIA-CONGENITAL NEPHROTIC SYNDROME. Identifiers: Orphanet 2670, MedGen C1836876, MONDO:0012184, OMIM 609049.
LAMB2-related infantile-onset nephrotic syndrome. Also called: Nephrotic Syndrome, type 5; NEPHROTIC SYNDROME, TYPE 5, WITHOUT OCULAR ABNORMALITIES; NEPHROTIC SYNDROME, TYPE 5, WITH OCULAR ABNORMALITIES. Identifiers: Orphanet 306507, MedGen C3280113, MONDO:0013621, OMIM 614199.
Inborn genetic diseases. Identifiers: MedGen C0950123, MeSH D030342.

Allele frequency attached by ClinVar (database versions not stated): TOPMed below 0.00001; gnomAD 0.00001.

Submissions (2):

Ambry Genetics
Classification: Uncertain significance for Inborn genetic diseases. Last evaluated: 2023-04-05. Review status: criteria provided, single submitter. Criteria: Ambry Variant Classification Scheme 2023. Collection method: clinical testing. Allele origin: germline.

Labcorp Genetics (formerly Invitae), Labcorp
Classification: Uncertain significance for LAMB2-related infantile-onset nephrotic syndrome; Pierson syndrome. Last evaluated: 2022-03-26. Review status: criteria provided, single submitter. Criteria: Invitae Variant Classification Sherloc (09022015). Collection method: clinical testing. Allele origin: germline.
Comment: In summary, the available evidence is currently insufficient to determine the role of this variant in disease. Therefore, it has been classified as a Variant of Uncertain Significance. Algorithms developed to predict the effect of missense changes on protein structure and function (SIFT, PolyPhen-2, Align-GVGD) all suggest that this variant is likely to be disruptive. This variant has not been reported in the literature in individuals affected with LAMB2-related conditions. This variant is present in population databases (rs759326665, gnomAD 0.003%). This sequence change replaces histidine, which is basic and polar, with leucine, which is neutral and non-polar, at codon 546 of the LAMB2 protein (p.His546Leu).

NM_002292.4(LAMB2):c.1637A>T (p.His546Leu)

Gene: LAMB2 (laminin subunit beta 2; minus strand). Cytogenetic location: 3p21.31.
Variant type: single nucleotide variant.
Coding change: c.1637A>T on transcript NM_002292.4 (MANE Select); coding-DNA position 1637, A replaced by T.
Protein change: p.His546Leu; replaces histidine 546 with leucine.
Molecular consequence: missense variant.
Genome position (GRCh38, 1-based): chr3:49,129,114, T>A on the plus strand (A>T on the coding strand, the complement: LAMB2 is on the minus strand). VCF-style: chr3-49129114-T-A. GRCh37 (hg19) VCF-style: chr3-49166547-T-A.
Other names: c.1637A>T (NM_002292.3); short protein forms H546L.
Identifiers: ClinVar variation 2147239 (VCV002147239.4), dbSNP rs759326665, ClinGen allele CA2394537.